The following is an entry in ClinVar:

NM_004304.5(ALK):c.1547A>G (p.Asp516Gly)

Gene: ALK (ALK receptor tyrosine kinase; minus strand). Cytogenetic location: 2p23.2.
Variant type: single nucleotide variant.
Coding change: c.1547A>G on transcript NM_004304.5 (MANE Select); coding-DNA position 1547, A replaced by G.
Protein change: p.Asp516Gly; replaces aspartic acid 516 with glycine.
Molecular consequence: missense variant.
Genome position (GRCh38, 1-based): chr2:29,318,404, T>C on the plus strand (A>G on the coding strand, the complement: ALK is on the minus strand). VCF-style: chr2-29318404-T-C. GRCh37 (hg19) VCF-style: chr2-29541270-T-C.
Other names: short protein forms D516G.
Identifiers: ClinVar variation 470757 (VCV000470757.11), dbSNP rs761724656, ClinGen allele CA1594613.
Genomic context (GRCh38, chr2:29,318,404, plus strand): 5'-CTGGTCACTGTAGCACTTTCAGAAGCGGGGACATCAGTGGTACTGAGCAATAGAGCATGG[T>C]CTAGGAGAGAGGAAAAGAATCACAAGCACGCCATTATCAGGAACTGGGGGACCAGGGGTG-3'
Protein context (NP_004295.2, residues 506-526): LKDARFQDHQ[Asp516Gly]HALLLSTTDV

ClinVar aggregate classification (germline): Conflicting classifications of pathogenicity. Review status: criteria provided, conflicting classifications (1 of 4 stars). 2 submissions from 2 submitters: Uncertain significance (1); Likely benign (1). Last evaluated 2025-10-29.

Conditions:
Neuroblastoma, susceptibility to, 3. Also called: ALK-Related Neuroblastic Tumor Susceptibility. Identifiers: Orphanet 635, MedGen C2751681, MONDO:0013083, OMIM 613014.
Hereditary cancer-predisposing syndrome. Also called: Hereditary neoplastic syndrome; Neoplastic Syndromes, Hereditary; Tumor predisposition; Hereditary Cancer Syndrome. Identifiers: Orphanet 140162, MedGen C0027672, MeSH D009386, MONDO:0015356.

Allele frequency attached by ClinVar (database versions not stated): ExAC 0.00001; gnomAD 0.00001; gnomAD exomes 0.00001 and 0.00002.
gnomAD v4.1: 35 of 1,608,782 alleles (0.0022%); highest among the groups gnomAD compares: African/African-American, 0.004%; no homozygotes.

Submissions (2):

Labcorp Genetics (formerly Invitae), Labcorp
Classification: Uncertain significance for Neuroblastoma, susceptibility to, 3. Last evaluated: 2025-10-29. Review status: criteria provided, single submitter. Criteria: Invitae Variant Classification Sherloc (09022015). Collection method: clinical testing. Allele origin: germline.
Comment: This sequence change replaces aspartic acid, which is acidic and polar, with glycine, which is neutral and non-polar, at codon 516 of the ALK protein (p.Asp516Gly). This variant is present in population databases (rs761724656, gnomAD 0.008%). This variant has not been reported in the literature in individuals affected with ALK-related conditions. ClinVar contains an entry for this variant (Variation ID: 470757). An algorithm developed to predict the effect of missense changes on protein structure and function outputs the following: PolyPhen-2: "Benign". The glycine amino acid residue is found in multiple mammalian species, which suggests that this missense change does not adversely affect protein function. In summary, the available evidence is currently insufficient to determine the role of this variant in disease. Therefore, it has been classified as a Variant of Uncertain Significance.

Ambry Genetics
Classification: Likely benign for Hereditary cancer-predisposing syndrome. Last evaluated: 2022-04-22. Review status: criteria provided, single submitter. Criteria: Ambry Variant Classification Scheme 2023. Collection method: clinical testing. Allele origin: germline.